The following is an entry in ClinVar:

ClinVar aggregate classification (germline): Uncertain significance. Review status: criteria provided, multiple submitters, no conflicts (2 of 4 stars). 2 submissions from 2 submitters: Uncertain significance (2). Last evaluated 2025-08-24.

Conditions:
Cardiovascular phenotype. Identifiers: MedGen CN230736.
Arrhythmogenic right ventricular dysplasia 10. Also called: Arrhythmogenic Right Ventricular Dysplasia/Cardiomyopathy10; ARRHYTHMOGENIC RIGHT VENTRICULAR DYSPLASIA, FAMILIAL, 10; Arrhythmogenic right ventricular dysplasia/cardiomyopathy, type 10. Identifiers: MedGen C1857777, MONDO:0012434, OMIM 610193.

Allele frequency attached by ClinVar (database versions not stated): gnomAD 0.00001; gnomAD exomes 0.00001; TOPMed 0.00001.
gnomAD v4.1: 15 of 1,614,090 alleles (0.00093%); highest among the groups gnomAD compares: South Asian, 0.0033%; no homozygotes.

Submissions (2):

Labcorp Genetics (formerly Invitae), Labcorp
Classification: Uncertain significance for Arrhythmogenic right ventricular dysplasia 10. Last evaluated: 2025-08-24. Review status: criteria provided, single submitter. Criteria: Invitae Variant Classification Sherloc (09022015). Collection method: clinical testing. Allele origin: germline.
Comment: This sequence change replaces histidine, which is basic and polar, with arginine, which is basic and polar, at codon 1110 of the DSG2 protein (p.His1110Arg). This variant is present in population databases (no rsID available, gnomAD 0.007%). This variant has not been reported in the literature in individuals affected with DSG2-related conditions. ClinVar contains an entry for this variant (Variation ID: 1730276). Invitae Evidence Modeling of protein sequence and biophysical properties (such as structural, functional, and spatial information, amino acid conservation, physicochemical variation, residue mobility, and thermodynamic stability) indicates that this missense variant is not expected to disrupt DSG2 protein function with a negative predictive value of 95%. In summary, the available evidence is currently insufficient to determine the role of this variant in disease. Therefore, it has been classified as a Variant of Uncertain Significance.

Ambry Genetics
Classification: Uncertain significance for Cardiovascular phenotype. Last evaluated: 2021-10-11. Review status: criteria provided, single submitter. Criteria: Ambry Variant Classification Scheme 2023. Collection method: clinical testing. Allele origin: germline.
Comment: The p.H1110R variant (also known as c.3329A>G), located in coding exon 15 of the DSG2 gene, results from an A to G substitution at nucleotide position 3329. The histidine at codon 1110 is replaced by arginine, an amino acid with highly similar properties. This amino acid position is conserved. In addition, this alteration is predicted to be tolerated by in silico analysis. Since supporting evidence is limited at this time, the clinical significance of this alteration remains unclear.

NM_001943.5(DSG2):c.3329A>G (p.His1110Arg)

Genes: DSG2 (desmoglein 2; plus strand), DSG2-AS1 (DSG2 antisense RNA 1; minus strand). Cytogenetic location: 18q12.1.
Variant type: single nucleotide variant.
Coding change: c.3329A>G on transcript NM_001943.5 (MANE Select); coding-DNA position 3329, A replaced by G.
Protein change: p.His1110Arg; replaces histidine 1110 with arginine.
Molecular consequence: missense variant.
Genome position (GRCh38, 1-based): chr18:31,546,715, A>G. VCF-style: chr18-31546715-A-G. GRCh37 (hg19) VCF-style: chr18-29126678-A-G.
Other names: short protein forms H1110R.
Identifiers: ClinVar variation 1730276 (VCV001730276.4), dbSNP rs1167325516, ClinGen allele CA402149459.